The following is an entry in ClinVar:

NM_022168.4(IFIH1):c.1844A>G (p.Asp615Gly)

Gene: IFIH1 (interferon induced with helicase C domain 1; minus strand). Cytogenetic location: 2q24.2.
Variant type: single nucleotide variant.
Coding change: c.1844A>G on transcript NM_022168.4 (MANE Select); coding-DNA position 1844, A replaced by G.
Protein change: p.Asp615Gly; replaces aspartic acid 615 with glycine.
Molecular consequence: missense variant.
Genome position (GRCh38, 1-based): chr2:162,277,615, T>C on the plus strand (A>G on the coding strand, the complement: IFIH1 is on the minus strand). VCF-style: chr2-162277615-T-C. GRCh37 (hg19) VCF-style: chr2-163134125-T-C.
Other names: short protein forms D615G.
Identifiers: ClinVar variation 2110026 (VCV002110026.4), dbSNP rs2468959471, ClinGen allele CA348999588.

ClinVar aggregate classification (germline): Uncertain significance (1 of 4 stars; one submission).

Conditions:
Singleton-Merten syndrome 1 (SGMRT1). Also called: Widened medullary cavities of bone, aortic calcification, abnormal dentition, and muscular weakness; Syndrome of widened medullary cavities of the metacarpals and phalanges, aortic calcification and abnormal dentition. Identifiers: Orphanet 85191, MedGen C4225427, MONDO:0024535, OMIM 182250.
Aicardi-Goutieres syndrome 7 (AGS7). Identifiers: Orphanet 51, MedGen C3888244, MONDO:0014367, OMIM 615846.

Submission:

Labcorp Genetics (formerly Invitae), Labcorp
Classification: Uncertain significance for Aicardi-Goutieres syndrome 7; Singleton-Merten syndrome 1. Last evaluated: 2022-04-22. Review status: criteria provided, single submitter. Criteria: Invitae Variant Classification Sherloc (09022015). Collection method: clinical testing. Allele origin: germline.
Comment: This variant has not been reported in the literature in individuals affected with IFIH1-related conditions. In summary, the available evidence is currently insufficient to determine the role of this variant in disease. Therefore, it has been classified as a Variant of Uncertain Significance. Algorithms developed to predict the effect of missense changes on protein structure and function are either unavailable or do not agree on the potential impact of this missense change (SIFT: "Tolerated"; PolyPhen-2: "Probably Damaging"; Align-GVGD: "Class C0"). This variant is not present in population databases (gnomAD no frequency). This sequence change replaces aspartic acid, which is acidic and polar, with glycine, which is neutral and non-polar, at codon 615 of the IFIH1 protein (p.Asp615Gly).